The following is an entry in ClinVar:

ClinVar aggregate classification (germline): Uncertain significance (0 of 4 stars; one submission).

Conditions:
NKAP-related disorder. Also called: NKAP-related condition.

Allele frequency attached by ClinVar (database versions not stated): gnomAD exomes below 0.00001; TOPMed 0.00001.
gnomAD v4.1: 1 of 1,211,227 alleles (0.000083%); highest among the groups gnomAD compares: South Asian, 0.0018%; no homozygotes.

Submission:

PreventionGenetics, part of Exact Sciences
Classification: Uncertain significance for NKAP-related condition. Last evaluated: 2024-08-23. Review status: no assertion criteria provided. Collection method: clinical testing. Allele origin: germline.
Comment: The NKAP c.110C>T variant is predicted to result in the amino acid substitution p.Pro37Leu. To our knowledge, this variant has not been reported in the literature. This variant is reported in one hemizygous individual out of ~178,000 alleles in gnomAD. At this time, the clinical significance of this variant is uncertain due to the absence of conclusive functional and genetic evidence.

NM_024528.4(NKAP):c.110C>T (p.Pro37Leu)

Gene: NKAP (NFKB activating protein; minus strand). Cytogenetic location: Xq24.
Variant type: single nucleotide variant.
Coding change: c.110C>T on transcript NM_024528.4 (MANE Select); coding-DNA position 110, C replaced by T.
Protein change: p.Pro37Leu; replaces proline 37 with leucine.
Molecular consequence: missense variant.
Genome position (GRCh38, 1-based): chrX:119,943,496, G>A on the plus strand (C>T on the coding strand, the complement: NKAP is on the minus strand). VCF-style: chrX-119943496-G-A. GRCh37 (hg19) VCF-style: chrX-119077459-G-A.
Other names: short protein forms P37L.
Identifiers: ClinVar variation 2630610 (VCV002630610.2), dbSNP rs1179517814, ClinGen allele CA414189896.